The following is an entry in ClinVar:

NM_004132.5(HABP2):c.1177G>C (p.Glu393Gln)

Gene: HABP2 (hyaluronan binding protein 2; plus strand). Cytogenetic location: 10q25.3.
Variant type: single nucleotide variant.
Coding change: c.1177G>C on transcript NM_004132.5 (MANE Select); coding-DNA position 1177, G replaced by C.
Protein change: p.Glu393Gln; replaces glutamic acid 393 with glutamine.
Molecular consequence: missense variant.
Genome position (GRCh38, 1-based): chr10:113,583,298, G>C. VCF-style: chr10-113583298-G-C. GRCh37 (hg19) VCF-style: chr10-115343057-G-C.
Other names: c.1099G>C, p.Glu367Gln (NM_001177660.3); short protein forms E393Q, E367Q.
Identifiers: ClinVar variation 298918 (VCV000298918.9), dbSNP rs11575688, ClinGen allele CA5693932.

ClinVar aggregate classification (germline): Likely benign. Review status: criteria provided, multiple submitters, no conflicts (2 of 4 stars). 3 submissions from 3 submitters: Likely benign (3). Last evaluated 2024-09-23.

Conditions:
Factor VII-activating protease marburg I. Identifiers: MedGen CN068943.

Allele frequency attached by ClinVar (database versions not stated): 1000 Genomes Project 0.00319; 1000 Genomes Project 30x 0.00375; gnomAD exomes 0.01006; ExAC 0.01010; gnomAD 0.01094 and 0.01117; TOPMed 0.01125; ESP Exome Variant Server 0.01338.
gnomAD v4.1: 27,088 of 1,611,128 alleles (1.7%); highest among the groups gnomAD compares: Non-Finnish European, 2.1%; 315 homozygotes.

Submissions (3):

GeneDx
Classification: Likely benign. Last evaluated: 2024-09-23. Review status: criteria provided, single submitter. Criteria: GeneDx Variant Classification Process June 2021. Collection method: clinical testing. Allele origin: germline. Affected: yes.
Comment: See Variant Classification Assertion Criteria.

Illumina Laboratory Services, Illumina
Classification: Likely benign for Factor VII Marburg I Variant Thrombophilia. Last evaluated: 2018-01-13. Review status: criteria provided, single submitter. Criteria: ICSL Variant Classification Criteria 13 December 2019. Collection method: clinical testing. Allele origin: germline.
Comment: This variant was observed in the ICSL laboratory as part of a predisposition screen in an ostensibly healthy population. It had not been previously curated by ICSL or reported in the Human Gene Mutation Database (HGMD: prior to June 1st, 2018), and was therefore a candidate for classification through an automated scoring system. Utilizing variant allele frequency, disease prevalence and penetrance estimates, and inheritance mode, an automated score was calculated to assess if this variant is too frequent to cause the disease. Based on the score and internal cut-off values, a variant classified as likely benign is not then subjected to further curation. The score for this variant resulted in a classification of likely benign for this disease.

Breakthrough Genomics
Classification: Likely benign. Review status: criteria provided, single submitter. Criteria: ACMG Guidelines, 2015. Collection method: not provided. Allele origin: germline. Inheritance: Autosomal dominant inheritance. Affected: yes.